The following is an entry in ClinVar:

NM_004183.4(BEST1):c.764G>A (p.Arg255Gln)

Gene: BEST1 (bestrophin 1; plus strand). Cytogenetic location: 11q12.3.
Variant type: single nucleotide variant.
Coding change: c.764G>A on transcript NM_004183.4 (MANE Select); coding-DNA position 764, G replaced by A.
Protein change: p.Arg255Gln; replaces arginine 255 with glutamine.
Molecular consequence: missense variant. On other transcripts: non-coding transcript variant (1).
Genome position (GRCh38, 1-based): chr11:61,958,195, G>A. VCF-style: chr11-61958195-G-A. GRCh37 (hg19) VCF-style: chr11-61725667-G-A.
Other names: c.584G>A, p.Arg195Gln (NM_001139443.3, NM_001300786.2, NM_001300787.2); c.446G>A, p.Arg149Gln (NM_001363591.3); c.764G>A, p.Arg255Gln (NM_001363592.2); c.-412G>A (NM_001363593.3); short protein forms R149Q, R195Q, R255Q.
Identifiers: ClinVar variation 3256722 (VCV003256722.4).
Genomic context (GRCh38, chr11:61,958,195, plus strand): 5'-CCTCCTCCCAGGTGGTGACTGTGGCGGTGTACAGCTTCTTCCTGACTTGTCTAGTTGGGC[G>A]GCAGTTTCTGAACCCAGCCAAGGCCTACCCTGGCCATGAGCTGGACCTCGTTGTGCCCGT-3'
Protein context (NP_004174.1, residues 245-265): YSFFLTCLVG[Arg255Gln]QFLNPAKAYP

ClinVar aggregate classification (germline): Likely pathogenic. Review status: criteria provided, single submitter (1 of 4 stars). 2 submissions from 2 submitters: Likely pathogenic (1). 1 of the submissions does not count toward it. Last evaluated 2026-09-30.

Conditions:
Autosomal recessive bestrophinopathy. Also called: Autosomal Recessive Bestrophinopathy (ARB). Identifiers: Orphanet 139455, MedGen C3888198, MONDO:0012733, OMIM 611809.

gnomAD v4.1: 7 of 1,613,946 alleles (0.00043%); highest among the groups gnomAD compares: East Asian, 0.0022%; no homozygotes.

Submissions (2):

3billion
Classification: Likely pathogenic for Autosomal recessive bestrophinopathy. Last evaluated: 2026-09-30. Review status: criteria provided, single submitter. Criteria: ACMG Guidelines, 2015. Collection method: clinical testing. Allele origin: germline. Inheritance: Autosomal recessive inheritance. Affected: yes.
Comment: The variant is observed at an extremely low frequency in the gnomAD v4.1.0 dataset (total allele frequency: <0.001%). Predicted Consequence/Location: Missense variant In silico tool predictions suggest damaging effect of the variant on gene or gene product [REVEL: 0.931 (>= 0.644, sensitivity 0.68 and specificity 0.92); 3Cnet: 0.990 (>= 0.75, sensitivity 0.96 and precision 0.92)]. Different missense changes at the same codon (p.Arg255Leu, p.Arg255Trp) have been reported as pathogenic/likely pathogenic with strong evidence (ClinVar ID: VCV000143127.17, VCV001484448.6 / PMID: 20057343 / 3billion dataset). Therefore, this variant is classified as Likely pathogenic (PM2_P, PM3_P, PM5_M, PP3_M) according to the recommendation of ACMG/AMP guideline.

ClinVar Staff, National Center for Biotechnology Information (NCBI)
No classification provided. Condition: Autosomal recessive bestrophinopathy. Review status: no classification provided. Collection method: literature only. Allele origin: unknown. Inheritance: Autosomal recessive inheritance. Affected: yes. Observed: 1 compound heterozygote. Not counted in ClinVar's aggregate classification.

Literature cited by the submitters: PubMed 20057343 (cited by 3billion); PubMed 36378562 (cited by ClinVar Staff, National Center for Biotechnology Information (NCBI)).